The following is an entry in ClinVar:

ClinVar aggregate classification (germline): Uncertain significance (1 of 4 stars; one submission).

Conditions:
Hereditary cancer-predisposing syndrome. Also called: Neoplastic Syndromes, Hereditary; Tumor predisposition; Hereditary Cancer Syndrome; Hereditary neoplastic syndrome. Identifiers: Orphanet 140162, MedGen C0027672, MeSH D009386, MONDO:0015356.

Submission:

Ambry Genetics
Classification: Uncertain significance for Hereditary cancer-predisposing syndrome. Last evaluated: 2025-11-30. Review status: criteria provided, single submitter. Criteria: Ambry Variant Classification Scheme 2023. Collection method: clinical testing. Allele origin: germline.
Comment: The p.L107I variant (also known as c.319C>A), located in coding exon 2 of the PTCH1 gene, results from a C to A substitution at nucleotide position 319. The leucine at codon 107 is replaced by isoleucine, an amino acid with highly similar properties. This amino acid position is conserved. In addition, this alteration is predicted to be tolerated by in silico analysis. Based on the available evidence, the clinical significance of this variant remains unclear.

NM_000264.5(PTCH1):c.319C>A (p.Leu107Ile)

Gene: PTCH1 (patched 1; minus strand). Cytogenetic location: 9q22.32.
Variant type: single nucleotide variant.
Coding change: c.319C>A on transcript NM_000264.5 (MANE Select); coding-DNA position 319, C replaced by A.
Protein change: p.Leu107Ile; replaces leucine 107 with isoleucine.
Molecular consequence: missense variant. On other transcripts: 5 prime UTR variant (4), non-coding transcript variant (1).
Genome position (GRCh38, 1-based): chr9:95,506,482, G>T on the plus strand (C>A on the coding strand, the complement: PTCH1 is on the minus strand). VCF-style: chr9-95506482-G-T. GRCh37 (hg19) VCF-style: chr9-98268764-G-T.
Other names: c.121C>A, p.Leu41Ile (NM_001083602.3, NM_001354919.2); c.316C>A, p.Leu106Ile (NM_001083603.3); c.-135C>A (NM_001083604.3, NM_001083605.3, NM_001083606.3 and 1 more transcripts); c.319C>A, p.Leu107Ile (NM_001354918.2); short protein forms L106I, L41I, L107I.
Identifiers: ClinVar variation 4676167 (VCV004676167.1).